The following is an entry in ClinVar:

NM_004655.4(AXIN2):c.100C>T (p.Pro34Ser)

Gene: AXIN2 (axin 2; minus strand). Cytogenetic location: 17q24.1.
Variant type: single nucleotide variant.
Coding change: c.100C>T on transcript NM_004655.4 (MANE Select); coding-DNA position 100, C replaced by T.
Protein change: p.Pro34Ser; replaces proline 34 with serine.
Molecular consequence: missense variant.
Genome position (GRCh38, 1-based): chr17:65,558,521, G>A on the plus strand (C>T on the coding strand, the complement: AXIN2 is on the minus strand). VCF-style: chr17-65558521-G-A. GRCh37 (hg19) VCF-style: chr17-63554639-G-A.
Other names: c.100C>T, p.Pro34Ser (NM_001363813.1); short protein forms P34S.
Identifiers: ClinVar variation 1305165 (VCV001305165.8), dbSNP rs574154714, ClinGen allele CA8719104.

ClinVar aggregate classification (germline): Uncertain significance. Review status: criteria provided, multiple submitters, no conflicts (2 of 4 stars). 3 submissions from 3 submitters: Uncertain significance (3). Last evaluated 2026-07-07.

Conditions:
Hereditary cancer-predisposing syndrome. Also called: Neoplastic Syndromes, Hereditary; Tumor predisposition; Hereditary Cancer Syndrome; Hereditary neoplastic syndrome. Identifiers: Orphanet 140162, MedGen C0027672, MeSH D009386, MONDO:0015356.
Oligodontia-cancer predisposition syndrome. Also called: TOOTH AGENESIS-COLORECTAL CANCER SYNDROME. Identifiers: Orphanet 300576, MedGen C1837750, MONDO:0012075, OMIM 608615. Disease mechanism: loss of function.

Allele frequency attached by ClinVar (database versions not stated): gnomAD 0.00001; 1000 Genomes Project 0.00020; 1000 Genomes Project 30x 0.00016.
gnomAD v4.1: 3 of 1,613,814 alleles (0.00019%); highest among the groups gnomAD compares: South Asian, 0.0011%; no homozygotes.

Submissions (3):

Ambry Genetics
Classification: Uncertain significance for Hereditary cancer-predisposing syndrome. Last evaluated: 2026-07-07. Review status: criteria provided, single submitter. Criteria: Ambry Variant Classification Scheme 2023. Collection method: clinical testing. Allele origin: germline.
Comment: The p.P34S variant (also known as c.100C>T), located in coding exon 1 of the AXIN2 gene, results from a C to T substitution at nucleotide position 100. The proline at codon 34 is replaced by serine, an amino acid with similar properties. This amino acid position is conserved. In addition, this alteration is predicted to be tolerated by in silico analysis. Based on the available evidence, the clinical significance of this variant remains unclear.

Labcorp Genetics (formerly Invitae), Labcorp
Classification: Uncertain significance for Oligodontia-cancer predisposition syndrome. Last evaluated: 2024-08-22. Review status: criteria provided, single submitter. Criteria: Invitae Variant Classification Sherloc (09022015). Collection method: clinical testing. Allele origin: germline.
Comment: This sequence change replaces proline, which is neutral and non-polar, with serine, which is neutral and polar, at codon 34 of the AXIN2 protein (p.Pro34Ser). This variant is present in population databases (rs574154714, gnomAD 0.003%). This variant has not been reported in the literature in individuals affected with AXIN2-related conditions. ClinVar contains an entry for this variant (Variation ID: 1305165). Invitae Evidence Modeling of protein sequence and biophysical properties (such as structural, functional, and spatial information, amino acid conservation, physicochemical variation, residue mobility, and thermodynamic stability) indicates that this missense variant is not expected to disrupt AXIN2 protein function with a negative predictive value of 80%. In summary, the available evidence is currently insufficient to determine the role of this variant in disease. Therefore, it has been classified as a Variant of Uncertain Significance.

GeneDx
Classification: Uncertain significance. Last evaluated: 2019-04-12. Review status: criteria provided, single submitter. Criteria: GeneDx Variant Classification Process June 2021. Collection method: clinical testing. Allele origin: germline. Affected: yes.
Comment: Not observed at a significant frequency in large population cohorts (Lek et al., 2016); Has not been previously published as pathogenic or benign to our knowledge